The following is an entry in ClinVar:

NM_001943.5(DSG2):c.872C>G (p.Thr291Arg)

Gene: DSG2 (desmoglein 2; plus strand). Cytogenetic location: 18q12.1.
Variant type: single nucleotide variant.
Coding change: c.872C>G on transcript NM_001943.5 (MANE Select); coding-DNA position 872, C replaced by G.
Protein change: p.Thr291Arg; replaces threonine 291 with arginine.
Molecular consequence: missense variant.
Genome position (GRCh38, 1-based): chr18:31,524,746, C>G. VCF-style: chr18-31524746-C-G. GRCh37 (hg19) VCF-style: chr18-29104709-C-G.
Other names: short protein forms T291R.
Identifiers: ClinVar variation 3699466 (VCV003699466.2).

ClinVar aggregate classification (germline): Uncertain significance (1 of 4 stars; one submission).

Conditions:
Arrhythmogenic right ventricular dysplasia 10. Also called: Arrhythmogenic Right Ventricular Dysplasia/Cardiomyopathy10; ARRHYTHMOGENIC RIGHT VENTRICULAR DYSPLASIA, FAMILIAL, 10; Arrhythmogenic right ventricular dysplasia/cardiomyopathy, type 10. Identifiers: MedGen C1857777, MONDO:0012434, OMIM 610193.

gnomAD v4.1: 1 of 1,614,102 alleles (0.000062%); highest among the groups gnomAD compares: East Asian, 0.0022%; no homozygotes.

Submission:

Labcorp Genetics (formerly Invitae), Labcorp
Classification: Uncertain significance for Arrhythmogenic right ventricular dysplasia 10. Last evaluated: 2024-11-18. Review status: criteria provided, single submitter. Criteria: Invitae Variant Classification Sherloc (09022015). Collection method: clinical testing. Allele origin: germline.
Comment: This sequence change replaces threonine, which is neutral and polar, with arginine, which is basic and polar, at codon 291 of the DSG2 protein (p.Thr291Arg). This variant is present in population databases (no rsID available, gnomAD 0.006%). This variant has not been reported in the literature in individuals affected with DSG2-related conditions. Invitae Evidence Modeling of protein sequence and biophysical properties (such as structural, functional, and spatial information, amino acid conservation, physicochemical variation, residue mobility, and thermodynamic stability) indicates that this missense variant is not expected to disrupt DSG2 protein function with a negative predictive value of 95%. In summary, the available evidence is currently insufficient to determine the role of this variant in disease. Therefore, it has been classified as a Variant of Uncertain Significance.